The following is an entry in ClinVar:

ClinVar aggregate classification (germline): Likely benign (1 of 4 stars; one submission).

Conditions:
EP300-related disorder. Also called: EP300-related condition; EP300-related disorders.

gnomAD v4.1: 5 of 1,613,798 alleles (0.00031%); highest among the groups gnomAD compares: African/African-American, 0.0067%; no homozygotes.

Submission:

PreventionGenetics, part of Exact Sciences
Classification: Likely benign for EP300-related condition. Last evaluated: 2024-12-27. Review status: criteria provided, single submitter. Criteria: ACMG Guidelines, 2015. Collection method: clinical testing. Allele origin: germline.
Comment: This variant is classified as likely benign based on ACMG/AMP sequence variant interpretation guidelines (Richards et al. 2015 PMID: 25741868, with internal and published modifications).

NM_001429.4(EP300):c.5631T>C (p.Pro1877=)

Gene: EP300 (EP300 lysine acetyltransferase; plus strand). Cytogenetic location: 22q13.2.
Variant type: single nucleotide variant.
Coding change: c.5631T>C on transcript NM_001429.4 (MANE Select); coding-DNA position 5631, T replaced by C.
Protein change: p.Pro1877=; no amino-acid change (proline 1877 retained).
Molecular consequence: synonymous variant.
Genome position (GRCh38, 1-based): chr22:41,177,342, T>C. VCF-style: chr22-41177342-T-C. GRCh37 (hg19) VCF-style: chr22-41573346-T-C.
Other names: c.5553T>C, p.Pro1851= (NM_001362843.2).
Identifiers: ClinVar variation 4983213 (VCV004983213.1).
Genomic context (GRCh38, chr22:41,177,342, plus strand): 5'-ACCAACTGGCCAACAGCCAACCACCCCGCAGACGCCCCAGCCCACTTCTCAGCCTCAGCC[T>C]ACCCCTCCCAATAGCATGCCACCCTACTTGCCCAGGACTCAAGCTGCTGGCCCTGTGTCC-3'
Protein context (NP_001420.2, residues 1867-1887): QTPQPTSQPQ[Pro1877=]TPPNSMPPYL